The following is an entry in ClinVar:

NM_000186.4(CFH):c.2635G>A (p.Gly879Arg)

Gene: CFH (complement factor H; plus strand). Cytogenetic location: 1q31.3.
Variant type: single nucleotide variant.
Coding change: c.2635G>A on transcript NM_000186.4 (MANE Select); coding-DNA position 2635, G replaced by A.
Protein change: p.Gly879Arg; replaces glycine 879 with arginine.
Molecular consequence: missense variant.
Genome position (GRCh38, 1-based): chr1:196,737,513, G>A. VCF-style: chr1-196737513-G-A. GRCh37 (hg19) VCF-style: chr1-196706643-G-A.
Other names: short protein forms G879R.
Identifiers: ClinVar variation 4291495 (VCV004291495.2).

ClinVar aggregate classification (germline): Likely pathogenic (1 of 4 stars; one submission).

Conditions:
Atypical hemolytic-uremic syndrome. Identifiers: Orphanet 2134, MedGen C2931788, MONDO:0016244.
Factor H deficiency (CFHD). Also called: COMPLEMENT FACTOR H DEFICIENCY; CFH DEFICIENCY. Identifiers: Orphanet 200421, MedGen C0398777, MONDO:0012350, OMIM 609814.

gnomAD v4.1: 13 of 1,612,896 alleles (0.00081%); highest among the groups gnomAD compares: East Asian, 0.0022%; no homozygotes.

Submission:

Genomenon, Inc
Classification: Likely pathogenic for Atypical hemolytic-uremic syndrome; Factor H deficiency. Last evaluated: 2026-09-17. Review status: criteria provided, single submitter. Criteria: Genomenon Sequence Variant Interpretation Standards - Updated. Collection method: curation. Allele origin: germline. Affected: yes.
Comment: CFH p.Gly879Arg (c.2635G>A) is a missense variant that changes the amino acid at codon 879 from glycine to arginine. This variant has been observed in at least one proband affected with a CFH-related disorder (PMID: 30890598; 34211499). It is absent or not present at a significant frequency in gnomAD. In silico models predict that this variant is possibly or probably damaging. In conclusion, we classify CFH p.Gly879Arg (c.2635G>A) as a likely pathogenic variant.

Literature cited by the submitters: PubMed 30890598; PubMed 34211499.